The following is an entry in ClinVar:

ClinVar aggregate classification (germline): Conflicting classifications of pathogenicity. Review status: criteria provided, conflicting classifications (1 of 4 stars). 9 submissions from 9 submitters: Uncertain significance (7); Likely benign (1). 1 of the submissions does not count toward it. Last evaluated 2025-11-03.

Conditions:
Hereditary breast ovarian cancer syndrome. Also called: BRCA1- and BRCA2-Associated Hereditary Breast and Ovarian Cancer; Hereditary breast and ovarian cancer syndrome (HBOC); Hereditary breast and ovarian cancer syndrome; Breast and ovarian cancer; Hereditary breast and ovarian cancer; Hereditary breast and/or ovarian cancer syndrome. Identifiers: Orphanet 145, MedGen C0677776, MeSH D061325, MONDO:0003582. Disease mechanism: loss of function.
Hereditary cancer-predisposing syndrome. Also called: Hereditary Cancer Syndrome; Hereditary neoplastic syndrome; Neoplastic Syndromes, Hereditary; Tumor predisposition. Identifiers: Orphanet 140162, MedGen C0027672, MeSH D009386, MONDO:0015356.
BRCA1-related disorder. Also called: BRCA1-related condition.
Breast-ovarian cancer, familial, susceptibility to, 1 (BROVCA1). Also called: OVARIAN CANCER, SUSCEPTIBILITY TO; BRCA1 Hereditary Breast and Ovarian Cancer. Identifiers: Orphanet 145, MedGen C2676676, MONDO:0011450, OMIM 604370. Disease mechanism: loss of function.

Allele frequency attached by ClinVar (database versions not stated): gnomAD 0.00001; gnomAD exomes 0.00001 and 0.00002; ExAC 0.00002; 1000 Genomes Project 30x 0.00016; 1000 Genomes Project 0.00020.
gnomAD v4.1: 20 of 1,614,004 alleles (0.0012%); highest among the groups gnomAD compares: South Asian, 0.018%; no homozygotes.

Submissions 1 to 5 of 10:

Labcorp Genetics (formerly Invitae), Labcorp
Classification: Uncertain significance for Hereditary breast ovarian cancer syndrome. Last evaluated: 2025-11-03. Review status: criteria provided, single submitter. Criteria: Invitae Variant Classification Sherloc (09022015). Collection method: clinical testing. Allele origin: germline.
Comment: This sequence change replaces glycine, which is neutral and non-polar, with arginine, which is basic and polar, at codon 1710 of the BRCA1 protein (p.Gly1710Arg). This variant is present in population databases (rs397509229, gnomAD 0.02%). This variant has not been reported in the literature in individuals affected with BRCA1-related conditions. ClinVar contains an entry for this variant (Variation ID: 801083). Invitae Evidence Modeling incorporating data from in vitro experimental studies (PMID: 30209399) indicates that this missense variant is not expected to disrupt BRCA1 function with a negative predictive value of 95%. In summary, the available evidence is currently insufficient to determine the role of this variant in disease. Therefore, it has been classified as a Variant of Uncertain Significance.

Women's Health and Genetics/Laboratory Corporation of America, LabCorp
Classification: Uncertain significance. Last evaluated: 2025-09-29. Review status: criteria provided, single submitter. Criteria: LabCorp Variant Classification Summary - May 2015. Collection method: clinical testing. Allele origin: germline.
Comment: Variant summary: BRCA1 c.5128G>A (p.Gly1710Arg) results in a non-conservative amino acid change located in the BRCT domain (IPR001357) of the encoded protein sequence. Algorithms developed to predict the effect of missense changes on protein structure and function all suggest that this variant is likely to be disruptive. The variant allele was found at a frequency of 1.6e-05 in 251320 control chromosomes. The available data on variant occurrences in the general population are insufficient to allow any conclusion about variant significance. c.5128G>A has not been reported in individuals affected with Hereditary Breast And Ovarian Cancer Syndrome. At least one publication reports experimental evidence evaluating an impact on protein function (Findley_2018, Bouwman_2020). These results showed no damaging effect of this variant . The following publications have been ascertained in the context of this evaluation (PMID: 30209399, 30287823, 32546644). ClinVar contains an entry for this variant (Variation ID: 801083). Based on the evidence outlined above, the variant was classified as uncertain significance.

PreventionGenetics, part of Exact Sciences
Classification: Uncertain significance for BRCA1-related condition. Last evaluated: 2025-07-30. Review status: criteria provided, single submitter. Criteria: ACMG Guidelines, 2015. Collection method: clinical testing. Allele origin: germline.
Comment: The BRCA1 c.5128G>A variant is predicted to result in the amino acid substitution p.Gly1710Arg. This variant was reported in individuals with breast cancer (Momozawa et al. 2018. PubMed ID: 30287823; Bouwman et al. 2020. PubMed ID: 32546644; Okawa et al. 2022. PubMed ID: 36243179). This variant is reported in 0.013% of alleles in individuals of South Asian descent in gnomAD, and is classified as uncertain by the majority of submitters in ClinVar (Variation ID: 801083). At this time, the clinical significance of this variant is uncertain due to the absence of conclusive functional and genetic evidence.

Ambry Genetics
Classification: Uncertain significance for Hereditary cancer-predisposing syndrome. Last evaluated: 2025-03-12. Review status: criteria provided, single submitter. Criteria: Ambry Variant Classification Scheme 2023. Collection method: clinical testing. Allele origin: germline.
Comment: The p.G1710R variant (also known as c.5128G>A), located in coding exon 16 of the BRCA1 gene, results from a G to A substitution at nucleotide position 5128. The glycine at codon 1710 is replaced by arginine, an amino acid with dissimilar properties. This alteration has been reported with a carrier frequency of 0 in 7,051 unselected breast cancer patients and 1 in 11,241 female controls of Japanese ancestry (Momozowa Y et al. Nat Commun. 2018 10;9(1):4083). One functional study found that this nucleotide substitution is functional in a high-throughput, genome editing, haploid cell survival assay (Findlay GM et al. Nature, 2018 10;562:217-222). However, another study reported conflicting findings, indicating that the variant had a neutral impact on homology-directed repair as assessed by sensitivity to cisplatin and olaparib, but was found to be likely deleterious in a direct repeat GFP assay of homologous recombination DNA repair (Bouwman P et al. Clin Cancer Res, 2020 09;26:4559-4568). This amino acid position is highly conserved in available vertebrate species. In addition, this alteration is predicted to be deleterious by in silico analysis. Since supporting evidence is conflicting at this time, the clinical significance of this alteration remains unclear.

Quest Diagnostics Nichols Institute San Juan Capistrano
Classification: Uncertain significance. Last evaluated: 2025-01-17. Review status: criteria provided, single submitter. Criteria: Quest Diagnostics criteria. Collection method: clinical testing. Allele origin: unknown.
Comment: The BRCA1 c.5128G>A (p.Gly1710Arg) variant has been identified in the published literature in a reportedly healthy individual. Assessment of experimental evidence regarding the effect of this variant on protein function is inconclusive (PMID: 32546644 (2020), 30209399 (2018)). The frequency of this variant in the general population (Genome Aggregation Database) is uninformative in the assessment of its pathogenicity. Analysis of this variant using bioinformatics tools for the prediction of the effect of amino acid changes on protein structure and function yielded conflicting predictions that this variant is benign or damaging. Based on the available information, we are unable to determine the clinical significance of this variant.

NM_007294.4(BRCA1):c.5128G>A (p.Gly1710Arg)

Gene: BRCA1 (BRCA1 DNA repair associated; minus strand). Cytogenetic location: 17q21.31.
Variant type: single nucleotide variant.
Coding change: c.5128G>A on transcript NM_007294.4 (MANE Select); coding-DNA position 5128, G replaced by A.
Protein change: p.Gly1710Arg; replaces glycine 1710 with arginine.
Molecular consequence: missense variant. On other transcripts: non-coding transcript variant (1).
Genome position (GRCh38, 1-based): chr17:43,063,898, C>T on the plus strand (G>A on the coding strand, the complement: BRCA1 is on the minus strand). VCF-style: chr17-43063898-C-T. GRCh37 (hg19) VCF-style: chr17-41215915-C-T.
Other names: c.4915G>A, p.Gly1639Arg (NM_001407571.1, NM_001407894.1, NM_001407908.1 and 12 more transcripts); c.5194G>A, p.Gly1732Arg (NM_001407581.1, NM_001407582.1); c.5191G>A, p.Gly1731Arg (NM_001407583.1, NM_001407585.1, NM_001407587.1 and 1 more transcripts); c.5188G>A, p.Gly1730Arg (NM_001407590.1, NM_001407591.1); c.5128G>A, p.Gly1710Arg (NM_001407593.1, NM_001407594.1, NM_001407596.1 and 7 more transcripts); c.5125G>A, p.Gly1709Arg (NM_001407613.1, NM_001407614.1, NM_001407615.1 and 17 more transcripts); c.5122G>A, p.Gly1708Arg (NM_001407632.1, NM_001407633.1, NM_001407634.1 and 14 more transcripts); c.5050G>A, p.Gly1684Arg (NM_001407655.1, NM_001407653.1, NM_001407654.1); and 71 more; short protein forms G1731R, G606R, G1663R, G1710R, G1413R, G1541R, G1597R, G1620R.
Identifiers: ClinVar variation 801083 (VCV000801083.30), dbSNP rs397509229, ClinGen allele CA053953.